The following is an entry in ClinVar:

NM_022829.6(SLC13A3):c.1083G>A (p.Pro361=)

Gene: SLC13A3 (solute carrier family 13 member 3; minus strand). Cytogenetic location: 20q13.12.
Variant type: single nucleotide variant.
Coding change: c.1083G>A on transcript NM_022829.6 (MANE Select); coding-DNA position 1083, G replaced by A.
Protein change: p.Pro361=; no amino-acid change (proline 361 retained).
Molecular consequence: synonymous variant. On other transcripts: intron variant (1).
Genome position (GRCh38, 1-based): chr20:46,588,097, C>T on the plus strand (G>A on the coding strand, the complement: SLC13A3 is on the minus strand). VCF-style: chr20-46588097-C-T. GRCh37 (hg19) VCF-style: chr20-45216736-C-T.
Other names: c.942G>A, p.Pro314= (NM_001011554.3); c.933G>A, p.Pro311= (NM_001193339.2); c.789G>A, p.Pro263= (NM_001193342.2); c.875+1063G>A (NM_001193340.2).
Identifiers: ClinVar variation 1930451 (VCV001930451.5), dbSNP rs1362803509, ClinGen allele CA510770881.

ClinVar aggregate classification (germline): Uncertain significance (1 of 4 stars; one submission).

Allele frequency attached by ClinVar (database versions not stated): TOPMed below 0.00001; gnomAD 0.00001; gnomAD exomes 0.00001.
gnomAD v4.1: 13 of 1,612,556 alleles (0.00081%); highest among the groups gnomAD compares: Non-Finnish European, 0.001%; no homozygotes.

Submission:

Labcorp Genetics (formerly Invitae), Labcorp
Classification: Uncertain significance. Last evaluated: 2022-11-15. Review status: criteria provided, single submitter. Criteria: Invitae Variant Classification Sherloc (09022015). Collection method: clinical testing. Allele origin: germline.
Comment: This variant is not present in population databases (gnomAD no frequency). This sequence change affects codon 361 of the SLC13A3 mRNA. It is a 'silent' change, meaning that it does not change the encoded amino acid sequence of the SLC13A3 protein. This variant has not been reported in the literature in individuals affected with SLC13A3-related conditions. Algorithms developed to predict the effect of sequence changes on RNA splicing suggest that this variant may disrupt the consensus splice site. In summary, the available evidence is currently insufficient to determine the role of this variant in disease. Therefore, it has been classified as a Variant of Uncertain Significance.